The following is an entry in ClinVar:

ClinVar aggregate classification (germline): Uncertain significance. Review status: criteria provided, multiple submitters, no conflicts (2 of 4 stars). 2 submissions from 2 submitters: Uncertain significance (2). Last evaluated 2026-01-04.

Allele frequency attached by ClinVar (database versions not stated): ESP Exome Variant Server 0.00008; gnomAD 0.00009; TOPMed 0.00009; gnomAD exomes 0.00010 and 0.00011; ExAC 0.00013.
gnomAD v4.1: 160 of 1,614,064 alleles (0.0099%); highest among the groups gnomAD compares: Middle Eastern, 0.13%; no homozygotes.

Submissions (2):

Labcorp Genetics (formerly Invitae), Labcorp
Classification: Uncertain significance. Last evaluated: 2026-01-04. Review status: criteria provided, single submitter. Criteria: Invitae Variant Classification Sherloc (09022015). Collection method: clinical testing. Allele origin: germline.
Comment: This sequence change replaces valine, which is neutral and non-polar, with methionine, which is neutral and non-polar, at codon 472 of the PCK2 protein (p.Val472Met). This variant is present in population databases (rs199675343, gnomAD 0.02%). This variant has not been reported in the literature in individuals affected with PCK2-related conditions. ClinVar contains an entry for this variant (Variation ID: 1347036). Invitae Evidence Modeling of protein sequence and biophysical properties (such as structural, functional, and spatial information, amino acid conservation, physicochemical variation, residue mobility, and thermodynamic stability) indicates that this missense variant is expected to disrupt PCK2 protein function with a positive predictive value of 80%. In summary, the available evidence is currently insufficient to determine the role of this variant in disease. Therefore, it has been classified as a Variant of Uncertain Significance.

Ambry Genetics
Classification: Uncertain significance. Last evaluated: 2025-03-21. Review status: criteria provided, single submitter. Criteria: Ambry Variant Classification Scheme 2023. Collection method: clinical testing. Allele origin: germline.

NM_004563.4(PCK2):c.1414G>A (p.Val472Met)

Genes: NRL (neural retina leucine zipper; minus strand), PCK2 (phosphoenolpyruvate carboxykinase 2, mitochondrial; plus strand). Cytogenetic location: 14q12.
Variant type: single nucleotide variant.
Coding change: c.1414G>A on transcript NM_004563.4 (MANE Select); coding-DNA position 1414, G replaced by A.
Protein change: p.Val472Met; replaces valine 472 with methionine.
Molecular consequence: missense variant. On other transcripts: intron variant (3).
Genome position (GRCh38, 1-based): chr14:24,103,201, G>A. VCF-style: chr14-24103201-G-A. GRCh37 (hg19) VCF-style: chr14-24572410-G-A.
Other names: c.1012G>A, p.Val338Met (NM_001291556.2, NM_001308054.2); c.-28+11521C>T (NM_001354768.3, NM_001354770.2); c.-254+11521C>T (NM_006177.5); c.1414G>A (NM_004563.2); short protein forms V338M, V472M.
Identifiers: ClinVar variation 1347036 (VCV001347036.9), dbSNP rs199675343, ClinGen allele CA7123486.